The following is an entry in ClinVar:

NM_001042492.3(NF1):c.5435_5469dup (p.Ile1824fs)

Gene: NF1 (neurofibromin 1; plus strand). Cytogenetic location: 17q11.2.
Variant type: Duplication.
Coding change: c.5435_5469dup on transcript NM_001042492.3 (MANE Select); coding-DNA positions 5435 to 5469, 35 bases duplicated.
Protein change: p.Ile1824fs; shifts the reading frame from isoleucine 1824.
Molecular consequence: frameshift variant.
Genome position (GRCh38, 1-based): chr17:31,327,665-31,327,699, 35 bases duplicated; duplicating any 35 consecutive bases within chr17:31,327,663-31,327,699 gives the same sequence; the c. name uses the placement nearest the transcript's 3' end. GRCh37 (hg19): chr17:29,654,683-29,654,717.
Other names: c.5372_5406dup, p.Ile1803Serfs (NM_000267.4); short protein forms I1803fs, I1824fs.
Identifiers: ClinVar variation 2013151 (VCV002013151.4), dbSNP rs2508706695, ClinGen allele CA2580093295.

ClinVar aggregate classification (germline): Pathogenic (1 of 4 stars; one submission).

Conditions:
Neurofibromatosis, type 1 (NF1). Also called: Neurofibromatosis, type I; Peripheral type neurofibromatosis; VON RECKLINGHAUSEN DISEASE; NEUROFIBROMATOSIS, TYPE I, SOMATIC. Identifiers: Orphanet 636, MedGen C0027831, MONDO:0018975, OMIM 162200. Disease mechanism: loss of function.

Submission:

Labcorp Genetics (formerly Invitae), Labcorp
Classification: Pathogenic for Neurofibromatosis, type 1. Last evaluated: 2022-07-02. Review status: criteria provided, single submitter. Criteria: Invitae Variant Classification Sherloc (09022015). Collection method: clinical testing. Allele origin: germline.
Comment: For these reasons, this variant has been classified as Pathogenic. This variant has not been reported in the literature in individuals affected with NF1-related conditions. This variant is not present in population databases (gnomAD no frequency). This sequence change creates a premature translational stop signal (p.Ile1803Serfs*51) in the NF1 gene. It is expected to result in an absent or disrupted protein product. Loss-of-function variants in NF1 are known to be pathogenic (PMID: 10712197, 23913538).

Literature cited by the submitters: PubMed 10712197; PubMed 23913538.